The following is an entry in ClinVar:

NM_016335.6(PRODH):c.1615+1G>T

Gene: PRODH (proline dehydrogenase 1; minus strand). Cytogenetic location: 22q11.21.
Variant type: single nucleotide variant.
Coding change: c.1615+1G>T on transcript NM_016335.6 (MANE Select); the canonical splice donor site of the intron after coding-DNA position 1615, G replaced by T.
Molecular consequence: splice donor variant.
Genome position (GRCh38, 1-based): chr22:18,913,437, C>A on the plus strand (G>T on the coding strand, the complement: PRODH is on the minus strand). VCF-style: chr22-18913437-C-A. GRCh37 (hg19) VCF-style: chr22-18900950-C-A.
Other names: c.1291+1G>T (NM_001195226.2, NM_001368250.2).
Identifiers: ClinVar variation 3359707 (VCV003359707.1).

ClinVar aggregate classification (germline): Uncertain significance (1 of 4 stars; one submission).

Submission:

GeneDx
Classification: Uncertain significance. Last evaluated: 2023-06-14. Review status: criteria provided, single submitter. Criteria: GeneDx Variant Classification Process June 2021. Collection method: clinical testing. Allele origin: germline. Affected: yes.
Comment: Not observed at significant frequency in large population cohorts (gnomAD); Canonical splice site variant in a gene for which loss-of-function is not an established mechanism of disease; Has not been previously published as pathogenic or benign to our knowledge